The following is an entry in ClinVar:

NM_002880.4(RAF1):c.1031T>C (p.Ile344Thr)

Gene: RAF1 (Raf-1 proto-oncogene, serine/threonine kinase; minus strand). Cytogenetic location: 3p25.2.
Variant type: single nucleotide variant.
Coding change: c.1031T>C on transcript NM_002880.4 (MANE Select); coding-DNA position 1031, T replaced by C.
Protein change: p.Ile344Thr; replaces isoleucine 344 with threonine.
Molecular consequence: missense variant. On other transcripts: non-coding transcript variant (3).
Genome position (GRCh38, 1-based): chr3:12,599,768, A>G on the plus strand (T>C on the coding strand, the complement: RAF1 is on the minus strand). VCF-style: chr3-12599768-A-G. GRCh37 (hg19) VCF-style: chr3-12641267-A-G.
Other names: c.1091T>C, p.Ile364Thr (NM_001354689.3); c.1031T>C, p.Ile344Thr (NM_001354690.3); c.788T>C, p.Ile263Thr (NM_001354691.3, NM_001354692.3); c.932T>C, p.Ile311Thr (NM_001354693.3); c.848T>C, p.Ile283Thr (NM_001354694.3); c.689T>C, p.Ile230Thr (NM_001354695.3); short protein forms I230T, I263T, I283T, I311T, I344T, I364T.
Identifiers: ClinVar variation 1718572 (VCV001718572.5), dbSNP rs1409906993, ClinGen allele CA351507790.

ClinVar aggregate classification (germline): Uncertain significance (1 of 4 stars; one submission).

Conditions:
RASopathy. Also called: rasopathies; Noonan spectrum disorder. Identifiers: Orphanet 536391, MedGen C5555857, MONDO:0021060.

Submission:

Labcorp Genetics (formerly Invitae), Labcorp
Classification: Uncertain significance for RASopathy. Last evaluated: 2024-01-02. Review status: criteria provided, single submitter. Criteria: Invitae Variant Classification Sherloc (09022015). Collection method: clinical testing. Allele origin: germline.
Comment: This sequence change replaces isoleucine, which is neutral and non-polar, with threonine, which is neutral and polar, at codon 344 of the RAF1 protein (p.Ile344Thr). This variant is not present in population databases (gnomAD no frequency). This variant has not been reported in the literature in individuals affected with RAF1-related conditions. ClinVar contains an entry for this variant (Variation ID: 1718572). Advanced modeling of protein sequence and biophysical properties (such as structural, functional, and spatial information, amino acid conservation, physicochemical variation, residue mobility, and thermodynamic stability) performed at Invitae indicates that this missense variant is expected to disrupt RAF1 protein function with a positive predictive value of 95%. In summary, the available evidence is currently insufficient to determine the role of this variant in disease. Therefore, it has been classified as a Variant of Uncertain Significance.